The following is an entry in ClinVar:

ClinVar aggregate classification (germline): Pathogenic/Likely pathogenic. Review status: criteria provided, multiple submitters, no conflicts (2 of 4 stars). 8 submissions from 8 submitters: Pathogenic (4); Likely pathogenic (4). Last evaluated 2026-01-14.

Conditions:
Glutaric acidemia IIc. Also called: ETFDH deficiency. Identifiers: MedGen C3278156, MONDO:0700076.
Multiple acyl-CoA dehydrogenase deficiency (MADD). Also called: Glutaric aciduria, type 2; Glutaric Acidemia type 2; ETHYLMALONIC-ADIPICACIDURIA; GA II; Glutaric acidemia type II; GA 2. Identifiers: Orphanet 26791, MedGen C0268596, MONDO:0009282, OMIM 231680.
ETFDH-related disorder. Also called: ETFDH-related condition.
Glutaric acidemia type 2C.

Allele frequency attached by ClinVar (database versions not stated): ExAC 0.00002; gnomAD exomes 0.00002 and 0.00004; gnomAD 0.00005; TOPMed 0.00005; ESP Exome Variant Server 0.00008.
gnomAD v4.1: 63 of 1,614,000 alleles (0.0039%); highest among the groups gnomAD compares: East Asian, 0.0089%; no homozygotes.

Submissions (8):

Labcorp Genetics (formerly Invitae), Labcorp
Classification: Pathogenic for Multiple acyl-CoA dehydrogenase deficiency. Last evaluated: 2026-01-14. Review status: criteria provided, single submitter. Criteria: Invitae Variant Classification Sherloc (09022015). Collection method: clinical testing. Allele origin: germline.
Comment: This sequence change replaces arginine, which is basic and polar, with cysteine, which is neutral and slightly polar, at codon 99 of the ETFDH protein (p.Arg99Cys). This variant is present in population databases (rs371493232, gnomAD 0.01%). This missense change has been observed in individuals with multiple acyl-CoA dehydrogenase deficiency (MADD) (PMID: 23700290, 24522293, 29336361). ClinVar contains an entry for this variant (Variation ID: 802100). Invitae Evidence Modeling of protein sequence and biophysical properties (such as structural, functional, and spatial information, amino acid conservation, physicochemical variation, residue mobility, and thermodynamic stability) indicates that this missense variant is expected to disrupt ETFDH protein function with a positive predictive value of 80%. For these reasons, this variant has been classified as Pathogenic.

Natera, Inc.
Classification: Likely pathogenic for Glutaric acidemia type 2C. Last evaluated: 2025-12-25. Review status: criteria provided, single submitter. Criteria: Natera Variant Classification Schema (03/2026). Collection method: clinical testing. Allele origin: germline.
Comment: The c.295C>T variant in ETFDH is a missense variant predicted to cause substitution of arginine to cysteine at amino acid 99. This variant is rare in the general population with a frequency below the threshold expected for the associated phenotype(s). This variant has been observed in one or more individuals affected with the associated recessive disease, as either homozygous or compound heterozygous with a second variant (PMID: 24522293, 30681493, 34819910, 38951975, 34718578, 23700290). Computational prediction algorithms indicate this variant is likely to affect gene or protein function. Given the available evidence, this variant is classified as Likely Pathogenic.

Blueprint Genetics
Classification: Pathogenic for ETFDH-related disorders. Last evaluated: 2024-04-19. Review status: criteria provided, single submitter. Criteria: ACMG Guidelines, 2015. Collection method: clinical testing. Allele origin: germline. Affected: yes. Observed: 4 variant alleles.

Baylor Genetics
Classification: Likely pathogenic for Multiple acyl-CoA dehydrogenase deficiency. Last evaluated: 2024-03-05. Review status: criteria provided, single submitter. Criteria: ACMG Guidelines, 2015. Collection method: clinical testing. Allele origin: unknown.

Dasa
Classification: Likely pathogenic for Glutaric acidemia IIc. Last evaluated: 2022-06-10. Review status: criteria provided, single submitter. Criteria: ACMG Guidelines, 2015. Collection method: clinical testing. Allele origin: germline. Affected: yes. Observed: 1 variant allele.
Comment: The c.295C>T;p.(Arg99Cys) missense change has been observed in affected individual(s) and ClinVar contains an entry for this variant (ClinVar ID: 802100; PMID: 23700290; 24522293; 29336361) - PS4. The variant is present at low allele frequencies population databases (rs371493232– gnomAD 0.0004601%; ABraOM no frequency) -PM2_supporting. The p.(Arg99Cys) was detected in trans with a Pathogenic variant (PMID: 29336361) - PM3. Multiple lines of computational evidence support a deleterious effect on the gene or gene product - PP3. In summary, the currently available evidence indicates that the variant is Likely Pathogenic

Fulgent Genetics
Classification: Likely pathogenic for Multiple acyl-CoA dehydrogenase deficiency. Last evaluated: 2021-11-08. Review status: criteria provided, single submitter. Criteria: ACMG Guidelines, 2015. Collection method: clinical testing. Allele origin: unknown.

Mendelics
Classification: Pathogenic for Multiple acyl-CoA dehydrogenase deficiency. Last evaluated: 2019-05-28. Review status: criteria provided, single submitter. Criteria: Mendelics Assertion Criteria 2017. Collection method: clinical testing. Allele origin: unknown.

Juno Genomics, Hangzhou Juno Genomics, Inc
Classification: Pathogenic for Multiple acyl-CoA dehydrogenase deficiency. Review status: criteria provided, single submitter. Criteria: ACMG Guidelines, 2015. Collection method: clinical testing. Allele origin: germline.
Comment: Absent from controls (or at extremely low frequency if recessive) in Genome Aggregation Database.;Multiple lines of computational evidence support a deleterious effect on the gene or gene product.;For recessive disorders, detected in trans with a pathogenic variant.;Patient's phenotype or family history is highly specific for a disease with a single genetic etiology.

Literature cited by the submitters: PubMed 23700290 (cited by 3 submitters); PubMed 24522293 (cited by 3 submitters); PubMed 29336361 (cited by Labcorp Genetics (formerly Invitae), Labcorp and Dasa); PubMed 30681493 (cited by Natera, Inc.); PubMed 34819910 (cited by Natera, Inc.); PubMed 38951975 (cited by Natera, Inc.); PubMed 34718578 (cited by Natera, Inc.).

NM_004453.4(ETFDH):c.295C>T (p.Arg99Cys)

Gene: ETFDH (electron transfer flavoprotein dehydrogenase; plus strand). Cytogenetic location: 4q32.1.
Variant type: single nucleotide variant.
Coding change: c.295C>T on transcript NM_004453.4 (MANE Select); coding-DNA position 295, C replaced by T.
Protein change: p.Arg99Cys; replaces arginine 99 with cysteine.
Molecular consequence: missense variant.
Genome position (GRCh38, 1-based): chr4:158,682,314, C>T. VCF-style: chr4-158682314-C-T. GRCh37 (hg19) VCF-style: chr4-159603466-C-T.
Other names: c.295C>T (NM_004453.3); c.154C>T, p.Arg52Cys (NM_001281737.2); c.112C>T, p.Arg38Cys (NM_001281738.1); short protein forms R38C, R99C, R52C.
Identifiers: ClinVar variation 802100 (VCV000802100.19), dbSNP rs371493232, ClinGen allele CA3122315.